The following is an entry in ClinVar:

ClinVar aggregate classification (germline): Uncertain significance. Review status: criteria provided, multiple submitters, no conflicts (2 of 4 stars). 2 submissions from 2 submitters: Uncertain significance (2). Last evaluated 2024-12-20.

Conditions:
Progressive familial heart block type IB (PFHB1B). Identifiers: Orphanet 871, MedGen C1970298, MONDO:0011474, OMIM 604559.
Cardiovascular phenotype. Identifiers: MedGen CN230736.

Allele frequency attached by ClinVar (database versions not stated): ExAC 0.00002; TOPMed 0.00006.
gnomAD v4.1: 6 of 1,613,980 alleles (0.00037%); highest among the groups gnomAD compares: Non-Finnish European, 0.00051%; no homozygotes.

Submissions (2):

Ambry Genetics
Classification: Uncertain significance for Cardiovascular phenotype. Last evaluated: 2024-12-20. Review status: criteria provided, single submitter. Criteria: Ambry Variant Classification Scheme 2023. Collection method: clinical testing. Allele origin: germline.
Comment: The p.R1171L variant (also known as c.3512G>T), located in coding exon 23 of the TRPM4 gene, results from a G to T substitution at nucleotide position 3512. The arginine at codon 1171 is replaced by leucine, an amino acid with dissimilar properties. This amino acid position is conserved. In addition, this alteration is predicted to be tolerated by in silico analysis. Since supporting evidence is limited at this time, the clinical significance of this alteration remains unclear.

Labcorp Genetics (formerly Invitae), Labcorp
Classification: Uncertain significance for Progressive familial heart block type IB. Last evaluated: 2024-11-10. Review status: criteria provided, single submitter. Criteria: Invitae Variant Classification Sherloc (09022015). Collection method: clinical testing. Allele origin: germline.
Comment: This sequence change replaces arginine, which is basic and polar, with leucine, which is neutral and non-polar, at codon 1171 of the TRPM4 protein (p.Arg1171Leu). This variant is present in population databases (rs762615860, gnomAD 0.003%). This variant has not been reported in the literature in individuals affected with TRPM4-related conditions. ClinVar contains an entry for this variant (Variation ID: 963330). An algorithm developed to predict the effect of missense changes on protein structure and function (PolyPhen-2) suggests that this variant is likely to be disruptive. In summary, the available evidence is currently insufficient to determine the role of this variant in disease. Therefore, it has been classified as a Variant of Uncertain Significance.

NM_017636.4(TRPM4):c.3512G>T (p.Arg1171Leu)

Gene: TRPM4 (transient receptor potential cation channel subfamily M member 4; plus strand). Cytogenetic location: 19q13.33.
Variant type: single nucleotide variant.
Coding change: c.3512G>T on transcript NM_017636.4 (MANE Select); coding-DNA position 3512, G replaced by T.
Protein change: p.Arg1171Leu; replaces arginine 1171 with leucine.
Molecular consequence: missense variant.
Genome position (GRCh38, 1-based): chr19:49,211,065, G>T. VCF-style: chr19-49211065-G-T. GRCh37 (hg19) VCF-style: chr19-49714322-G-T.
Other names: c.3077G>T, p.Arg1026Leu (NM_001195227.2); c.3167G>T, p.Arg1056Leu (NM_001321281.2); c.1904G>T, p.Arg635Leu (NM_001321282.2); c.2990G>T, p.Arg997Leu (NM_001321283.2); c.2450G>T, p.Arg817Leu (NM_001321285.2); short protein forms R1056L, R1171L, R1026L, R635L, R997L, R817L.
Identifiers: ClinVar variation 963330 (VCV000963330.12), dbSNP rs762615860, ClinGen allele CA9569943.